The following is an entry in ClinVar:

ClinVar aggregate classification (germline): Likely pathogenic (1 of 4 stars; one submission).

Conditions:
Autosomal recessive polycystic kidney disease (ARPKD). Also called: AR polycystic kidney disease. Identifiers: Orphanet 731, Orphanet 8378, MedGen C0085548, MeSH D017044, MONDO:0009889.

Submission:

Natera, Inc.
Classification: Likely pathogenic for Autosomal recessive polycystic kidney disease. Last evaluated: 2025-04-23. Review status: criteria provided, single submitter. Criteria: Natera Variant Classification Schema (03/2026). Collection method: clinical testing. Allele origin: germline.
Comment: The c.976+2T>G variant in PKHD1 is a canonical splice donor site variant predicted to affect pre-mRNA splicing, which may result in an abnormal transcript and altered protein product. This variant is expected to result in nonsense mediated decay, truncation, or a dysfunctional protein product. This variant is rare in the general population with a frequency below the threshold expected for the associated phenotype(s). Given the available evidence, this variant is classified as Likely Pathogenic.

NM_138694.4(PKHD1):c.976+2T>G

Gene: PKHD1 (PKHD1 ciliary IPT domain containing fibrocystin/polyductin; minus strand). Cytogenetic location: 6p12.2.
Variant type: single nucleotide variant.
Coding change: c.976+2T>G on transcript NM_138694.4 (MANE Select); the canonical splice donor site of the intron after coding-DNA position 976, T replaced by G.
Molecular consequence: splice donor variant.
Genome position (GRCh38, 1-based): chr6:52,064,953, A>C on the plus strand (T>G on the coding strand, the complement: PKHD1 is on the minus strand). VCF-style: chr6-52064953-A-C. GRCh37 (hg19) VCF-style: chr6-51929751-A-C.
Other names: c.976+2T>G (NM_170724.3).
Identifiers: ClinVar variation 4059932 (VCV004059932.2).